The following is an entry in ClinVar:

NM_024422.6(DSC2):c.1344T>A (p.Ser448Arg)

Gene: DSC2 (desmocollin 2; minus strand). Cytogenetic location: 18q12.1.
Variant type: single nucleotide variant.
Coding change: c.1344T>A on transcript NM_024422.6 (MANE Select); coding-DNA position 1344, T replaced by A.
Protein change: p.Ser448Arg; replaces serine 448 with arginine.
Molecular consequence: missense variant.
Genome position (GRCh38, 1-based): chr18:31,080,272, A>T on the plus strand (T>A on the coding strand, the complement: DSC2 is on the minus strand). VCF-style: chr18-31080272-A-T. GRCh37 (hg19) VCF-style: chr18-28660238-A-T.
Other names: c.915T>A, p.Ser305Arg (NM_001406506.1, NM_001406507.1); c.1344T>A, p.Ser448Arg (NM_004949.5); short protein forms S305R, S448R.
Identifiers: ClinVar variation 1955310 (VCV001955310.5), dbSNP rs1435091190, ClinGen allele CA402108701.
Genomic context (GRCh38, chr18:31,080,272, plus strand): 5'-GCCCTCATCCTGATCTTCTACATTAACAGTAACTGTTGCTGTGCTCATGGCTGATCTTGG[A>T]CTAGCCTCTCTGGAAAATGGAGCTTCATTAACTACACCAATTTGCAAGATCATCTGTTGC-3'
Protein context (NP_077740.1, residues 438-458): VNEAPFSREA[Ser448Arg]PRSAMSTATV

ClinVar aggregate classification (germline): Uncertain significance (1 of 4 stars; one submission).

Conditions:
Arrhythmogenic right ventricular dysplasia 11. Also called: Arrhythmogenic Right Ventricular Dysplasia/Cardiomyopathy11; ARRHYTHMOGENIC RIGHT VENTRICULAR DYSPLASIA, FAMILIAL, 11; Arrhythmogenic right ventricular dysplasia 11 with mild palmoplantar keratoderma and woolly hair. Identifiers: MedGen C1864850, MONDO:0012506, OMIM 610476.

Submission:

Labcorp Genetics (formerly Invitae), Labcorp
Classification: Uncertain significance for Arrhythmogenic right ventricular dysplasia 11. Last evaluated: 2022-03-01. Review status: criteria provided, single submitter. Criteria: Invitae Variant Classification Sherloc (09022015). Collection method: clinical testing. Allele origin: germline.
Comment: In summary, the available evidence is currently insufficient to determine the role of this variant in disease. Therefore, it has been classified as a Variant of Uncertain Significance. Algorithms developed to predict the effect of missense changes on protein structure and function are either unavailable or do not agree on the potential impact of this missense change (SIFT: "Tolerated"; PolyPhen-2: "Possibly Damaging"; Align-GVGD: "Class C0"). This variant has not been reported in the literature in individuals affected with DSC2-related conditions. This variant is present in population databases (no rsID available, gnomAD 0.004%). This sequence change replaces serine, which is neutral and polar, with arginine, which is basic and polar, at codon 448 of the DSC2 protein (p.Ser448Arg).